The following is an entry in ClinVar:

ClinVar aggregate classification (germline): Likely benign (1 of 4 stars; one submission).

Submission:

CeGaT Center for Human Genetics Tuebingen
Classification: Likely benign. Last evaluated: 2026-03-01. Review status: criteria provided, single submitter. Criteria: CeGaT Center For Human Genetics Tuebingen Variant Classification Criteria Version 2. Collection method: clinical testing. Allele origin: germline. Affected: yes. Observed: 1 variant allele.
Comment: NRXN1: PM2:Supporting, BP4, BP7

NM_001330078.2(NRXN1):c.772+1088A>G

Gene: NRXN1 (neurexin 1; minus strand). Cytogenetic location: 2p16.3.
Variant type: single nucleotide variant.
Coding change: c.772+1088A>G on transcript NM_001330078.2 (MANE Select); 1088 bases into the intron after coding-DNA position 772, A replaced by G.
Molecular consequence: intron variant. On other transcripts: synonymous variant (1).
Genome position (GRCh38, 1-based): chr2:51,026,414, T>C on the plus strand (A>G on the coding strand, the complement: NRXN1 is on the minus strand). VCF-style: chr2-51026414-T-C. GRCh37 (hg19) VCF-style: chr2-51253552-T-C.
Other names: c.828A>G, p.Gln276= (NM_001135659.3); c.772+1088A>G (NM_001330096.2, NM_001330087.2, NM_001330083.2 and 14 more transcripts).
Identifiers: ClinVar variation 4822372 (VCV004822372.4).